The following is an entry in ClinVar:

NM_025215.6(PUS1):c.937G>A (p.Val313Met)

Gene: PUS1 (pseudouridine synthase 1; plus strand). Cytogenetic location: 12q24.33.
Variant type: single nucleotide variant.
Coding change: c.937G>A on transcript NM_025215.6 (MANE Select); coding-DNA position 937, G replaced by A.
Protein change: p.Val313Met; replaces valine 313 with methionine.
Molecular consequence: missense variant.
Genome position (GRCh38, 1-based): chr12:131,941,684, G>A. VCF-style: chr12-131941684-G-A. GRCh37 (hg19) VCF-style: chr12-132426229-G-A.
Other names: c.853G>A, p.Val285Met (NM_001002019.3, NM_001002020.3); short protein forms V313M, V285M.
Identifiers: ClinVar variation 880989 (VCV000880989.7), dbSNP rs140088613, ClinGen allele CA6884276.

ClinVar aggregate classification (germline): Uncertain significance. Review status: criteria provided, multiple submitters, no conflicts (2 of 4 stars). 3 submissions from 3 submitters: Uncertain significance (3). Last evaluated 2025-07-06.

Conditions:
Myopathy, lactic acidosis, and sideroblastic anemia 1 (MLASA1). Identifiers: Orphanet 2598, MedGen C4551958, MONDO:0024553, OMIM 600462.

Allele frequency attached by ClinVar (database versions not stated): ExAC 0.00004; TOPMed 0.00007; ESP Exome Variant Server 0.00015.

Submissions (3):

Labcorp Genetics (formerly Invitae), Labcorp
Classification: Uncertain significance. Last evaluated: 2025-07-06. Review status: criteria provided, single submitter. Criteria: Invitae Variant Classification Sherloc (09022015). Collection method: clinical testing. Allele origin: germline.
Comment: This sequence change replaces valine, which is neutral and non-polar, with methionine, which is neutral and non-polar, at codon 313 of the PUS1 protein (p.Val313Met). This variant is present in population databases (rs140088613, gnomAD 0.03%). This variant has not been reported in the literature in individuals affected with PUS1-related conditions. ClinVar contains an entry for this variant (Variation ID: 880989). Invitae Evidence Modeling of protein sequence and biophysical properties (such as structural, functional, and spatial information, amino acid conservation, physicochemical variation, residue mobility, and thermodynamic stability) indicates that this missense variant is not expected to disrupt PUS1 protein function with a negative predictive value of 80%. In summary, the available evidence is currently insufficient to determine the role of this variant in disease. Therefore, it has been classified as a Variant of Uncertain Significance.

GeneDx
Classification: Uncertain significance. Last evaluated: 2023-06-08. Review status: criteria provided, single submitter. Criteria: GeneDx Variant Classification Process June 2021. Collection method: clinical testing. Allele origin: germline. Affected: yes.
Comment: In silico analysis supports that this missense variant does not alter protein structure/function; Has not been previously published as pathogenic or benign to our knowledge

Illumina Laboratory Services, Illumina
Classification: Uncertain significance for Myopathy, lactic acidosis, and sideroblastic anemia 1. Last evaluated: 2018-01-12. Review status: criteria provided, single submitter. Criteria: ICSL Variant Classification Criteria 13 December 2019. Collection method: clinical testing. Allele origin: germline.